The following is an entry in ClinVar:

ClinVar aggregate classification (germline): Likely benign. Review status: criteria provided, multiple submitters, no conflicts (2 of 4 stars). 2 submissions from 2 submitters: Likely benign (2). Last evaluated 2026-01-26.

Conditions:
Neuronal ceroid lipofuscinosis. Also called: Neuronal Ceroid Lipofuscinoses. Identifiers: Orphanet 216, Orphanet 79263, MedGen C0027877, MONDO:0016295. Disease mechanism: loss of function.

Allele frequency attached by ClinVar (database versions not stated): gnomAD 0.00001 and 0.00003; gnomAD exomes 0.00003; TOPMed 0.00006; 1000 Genomes Project 30x 0.00016; 1000 Genomes Project 0.00020.
gnomAD v4.1: 24 of 1,614,120 alleles (0.0015%); highest among the groups gnomAD compares: Admixed American, 0.013%; no homozygotes.

Submissions (2):

Labcorp Genetics (formerly Invitae), Labcorp
Classification: Likely benign for Neuronal ceroid lipofuscinosis. Last evaluated: 2026-01-26. Review status: criteria provided, single submitter. Criteria: Invitae Variant Classification Sherloc (09022015). Collection method: clinical testing. Allele origin: germline.

GeneDx
Classification: Likely benign. Last evaluated: 2016-07-18. Review status: criteria provided, single submitter. Criteria: GeneDx Variant Classification (06012015). Collection method: clinical testing. Allele origin: germline. Affected: yes.
Comment: This variant is considered likely benign or benign based on one or more of the following criteria: it is a conservative change, it occurs at a poorly conserved position in the protein, it is predicted to be benign by multiple in silico algorithms, and/or has population frequency not consistent with disease.

NM_018941.4(CLN8):c.831C>T (p.Asn277=)

Gene: CLN8 (CLN8 transmembrane ER and ERGIC protein; plus strand). Cytogenetic location: 8p23.3.
Variant type: single nucleotide variant.
Coding change: c.831C>T on transcript NM_018941.4 (MANE Select); coding-DNA position 831, C replaced by T.
Protein change: p.Asn277=; no amino-acid change (asparagine 277 retained).
Molecular consequence: synonymous variant.
Genome position (GRCh38, 1-based): chr8:1,780,537, C>T. VCF-style: chr8-1780537-C-T. GRCh37 (hg19) VCF-style: chr8-1728703-C-T.
Identifiers: ClinVar variation 387535 (VCV000387535.11), dbSNP rs200083273, ClinGen allele CA16606042.